The following is an entry in ClinVar:

NM_000212.3(ITGB3):c.1443dup (p.Glu482Ter)

Gene: ITGB3 (integrin subunit beta 3; plus strand). Cytogenetic location: 17q21.32.
Variant type: Duplication.
Coding change: c.1443dup on transcript NM_000212.3 (MANE Select); coding-DNA position 1443, one base duplicated (T; older notation c.1443dupT).
Protein change: p.Glu482Ter; replaces glutamic acid 482 with a stop codon.
Molecular consequence: nonsense.
Genome position (GRCh38, 1-based): chr17:47,292,321, T duplicated; the last of 3 consecutive T bases (chr17:47,292,319-47,292,321); duplicating any one gives the same sequence. VCF-style (leftmost placement, unchanged base first): chr17-47292318-C-CT. GRCh37 (hg19) VCF-style: chr17-45369684-C-CT.
Other names: short protein forms E482*.
Identifiers: ClinVar variation 2884187 (VCV002884187.4), dbSNP rs763023732, ClinGen allele CA8623265.

ClinVar aggregate classification (germline): Pathogenic/Likely pathogenic. Review status: criteria provided, multiple submitters, no conflicts (2 of 4 stars). 2 submissions from 2 submitters: Pathogenic (1); Likely pathogenic (1). Last evaluated 2023-06-29.

Conditions:
ITGB3-related disorders.

Submissions (2):

Labcorp Genetics (formerly Invitae), Labcorp
Classification: Pathogenic. Last evaluated: 2023-06-29. Review status: criteria provided, single submitter. Criteria: Invitae Variant Classification Sherloc (09022015). Collection method: clinical testing. Allele origin: germline.
Comment: For these reasons, this variant has been classified as Pathogenic. This variant has not been reported in the literature in individuals affected with ITGB3-related conditions. This variant is present in population databases (rs763023732, gnomAD 0.002%). This sequence change creates a premature translational stop signal (p.Glu482*) in the ITGB3 gene. It is expected to result in an absent or disrupted protein product. Loss-of-function variants in ITGB3 are known to be pathogenic (PMID: 21917754).

Blueprint Genetics
Classification: Likely pathogenic for ITGB3-related disorders. Last evaluated: 2022-09-29. Review status: criteria provided, single submitter. Criteria: ACMG Guidelines, 2015. Collection method: clinical testing. Allele origin: germline. Affected: yes. Observed: 3 variant alleles.

Literature cited by the submitters: PubMed 21917754 (cited by Labcorp Genetics (formerly Invitae), Labcorp).